The following is an entry in ClinVar:

ClinVar aggregate classification (germline): Uncertain significance (1 of 4 stars; one submission).

Allele frequency attached by ClinVar (database versions not stated): TOPMed below 0.00001; gnomAD 0.00001.
gnomAD v4.1: 1 of 1,613,882 alleles (0.000062%); highest among the groups gnomAD compares: Non-Finnish European, 0.000085%; no homozygotes.

Submission:

Labcorp Genetics (formerly Invitae), Labcorp
Classification: Uncertain significance. Last evaluated: 2022-07-26. Review status: criteria provided, single submitter. Criteria: Invitae Variant Classification Sherloc (09022015). Collection method: clinical testing. Allele origin: germline.
Comment: This variant is not present in population databases (gnomAD no frequency). This variant has not been reported in the literature in individuals affected with GNB3-related conditions. ClinVar contains an entry for this variant (Variation ID: 1486544). Algorithms developed to predict the effect of missense changes on protein structure and function are either unavailable or do not agree on the potential impact of this missense change (SIFT: "Deleterious"; PolyPhen-2: "Probably Damaging"; Align-GVGD: "Class C0"). In summary, the available evidence is currently insufficient to determine the role of this variant in disease. Therefore, it has been classified as a Variant of Uncertain Significance. This sequence change replaces cysteine, which is neutral and slightly polar, with arginine, which is basic and polar, at codon 166 of the GNB3 protein (p.Cys166Arg).

NM_002075.4(GNB3):c.496T>C (p.Cys166Arg)

Gene: GNB3 (G protein subunit beta 3; plus strand). Cytogenetic location: 12p13.31.
Variant type: single nucleotide variant.
Coding change: c.496T>C on transcript NM_002075.4 (MANE Select); coding-DNA position 496, T replaced by C.
Protein change: p.Cys166Arg; replaces cysteine 166 with arginine.
Molecular consequence: missense variant. On other transcripts: splice donor variant (1).
Genome position (GRCh38, 1-based): chr12:6,843,697, T>C. VCF-style: chr12-6843697-T-C. GRCh37 (hg19) VCF-style: chr12-6952861-T-C.
Other names: c.494+2T>C (NM_001297571.2); short protein forms C166R.
Identifiers: ClinVar variation 1486544 (VCV001486544.6), dbSNP rs1555123936, ClinGen allele CA383673018.
Genomic context (GRCh38, chr12:6,843,697, plus strand): 5'-CTCTCCTGCTGCCGCTTCCTGGATGACAACAATATTGTGACCAGCTCGGGGGACACCACG[T>C]GGTGAGGCTGAACATTGCTGGTGCTGGGGCTTGGGAGTGGGCCCGGCCTTTCTCTAACAG-3'
Protein context (NP_002066.1, residues 156-176): NIVTSSGDTT[Cys166Arg]ALWDIETGQQ